The following is an entry in ClinVar:

NM_003905.4(NAE1):c.254G>A (p.Arg85Gln)

Gene: NAE1 (NEDD8 activating enzyme E1 subunit 1; minus strand). Cytogenetic location: 16q22.1.
Variant type: single nucleotide variant.
Coding change: c.254G>A on transcript NM_003905.4 (MANE Select); coding-DNA position 254, G replaced by A.
Protein change: p.Arg85Gln; replaces arginine 85 with glutamine.
Molecular consequence: missense variant. On other transcripts: 5 prime UTR variant (1).
Genome position (GRCh38, 1-based): chr16:66,823,596, C>T on the plus strand (G>A on the coding strand, the complement: NAE1 is on the minus strand). VCF-style: chr16-66823596-C-T. GRCh37 (hg19) VCF-style: chr16-66857499-C-T.
Other names: c.236G>A, p.Arg79Gln (NM_001018159.2); c.-14G>A (NM_001018160.2); c.263G>A, p.Arg88Gln (NM_001286500.2); c.254G>A (NM_003905.3); short protein forms R79Q, R85Q, R88Q.
Identifiers: ClinVar variation 1206325 (VCV001206325.9), dbSNP rs752555475, ClinGen allele CA8096214.
Genomic context (GRCh38, chr16:66,823,596, plus strand): 5'-ACAAAACTTCCAGAGACATCGCTATTTAATTCTTGTAAGAATTCCATGGCAGCTTCAGCT[C>T]GGTTCTTTTTAAAAACAAAGCATTTAACTTGAATTAGAAAAAACTTGGTCACAATATAAT-3'
Protein context (NP_003896.1, residues 75-95): FLQRSSIGKN[Arg85Gln]AEAAMEFLQE

ClinVar aggregate classification (germline): Uncertain significance. Review status: criteria provided, single submitter (1 of 4 stars). 5 submissions from 5 submitters: Uncertain significance (1). 4 of the submissions do not count toward it. Last evaluated 2025-03-14.

Conditions:
Neurodevelopmental disorder with dysmorphic facies and ischiopubic hypoplasia (NEDFIH). Identifiers: MedGen C5774298, MONDO:0859361, OMIM 620210.

Allele frequency attached by ClinVar (database versions not stated): gnomAD exomes 0.00001; TOPMed below 0.00001; ExAC 0.00001; gnomAD 0.00002.
gnomAD v4.1: 16 of 1,588,730 alleles (0.001%); highest among the groups gnomAD compares: East Asian, 0.0022%; no homozygotes.

Submissions (5):

Ambry Genetics
Classification: Uncertain significance. Last evaluated: 2025-03-14. Review status: criteria provided, single submitter. Criteria: Ambry Variant Classification Scheme 2023. Collection method: clinical testing. Allele origin: germline.
Comment: The c.254G>A (p.R85Q) alteration is located in exon 5 (coding exon 5) of the NAE1 gene. This alteration results from a G to A substitution at nucleotide position 254, causing the arginine (R) at amino acid position 85 to be replaced by a glutamine (Q). Based on data from gnomAD, the A allele has an overall frequency of 0.002% (4/255340) total alleles studied. The highest observed frequency was 0.006% (1/18290) of East Asian alleles. This variant has been identified in the homozygous state and in conjunction with other NAE1 variants in individuals with clinical features including developmental delay, brain MRI abnormalities, decreased bone density, hypoplastic ischiopubic rami, and recurrent infections with developmental regression; in at least one instance, the variants were identified in trans (Muffels, 2023). This amino acid position is highly conserved in available vertebrate species. This alteration is predicted to be deleterious by in silico analysis. Based on insufficient or conflicting evidence, the clinical significance of this alteration remains unclear.

OMIM
Classification: Pathogenic for NEURODEVELOPMENTAL DISORDER WITH DYSMORPHIC FACIES AND ISCHIOPUBIC HYPOPLASIA. Last evaluated: 2023-01-27. Review status: no assertion criteria provided. Collection method: literature only. Allele origin: germline. Not counted in ClinVar's aggregate classification.

Joint Genome Diagnostic Labs from Nijmegen and Maastricht, Radboudumc and MUMC+
Classification: Uncertain significance. Review status: no assertion criteria provided. Collection method: clinical testing. Allele origin: germline. Affected: yes. Study: VKGL Data-share Consensus. Not counted in ClinVar's aggregate classification.

Laboratory of Diagnostic Genome Analysis, Leiden University Medical Center (LUMC)
Classification: Uncertain significance. Review status: no assertion criteria provided. Collection method: clinical testing. Allele origin: germline. Affected: yes. Study: VKGL Data-share Consensus. Not counted in ClinVar's aggregate classification.

University Medical Center Utrecht, University Utrecht
Classification: Pathogenic for Neurodevelopmental disorder with dysmorphic facies and ischiopubic hypoplasia. Review status: no assertion criteria provided. Collection method: clinical testing, in vitro. Allele origin: inherited, not applicable. Affected: yes. Observed: 1 compound heterozygote, 1 homozygote. Not counted in ClinVar's aggregate classification.
Comment: This variant was found in a homozygote and a compound heterozygote.

Literature cited by the submitters: PubMed 36608681 (cited by 3 submitters).